The following is an entry in ClinVar:

ClinVar aggregate classification (germline): Uncertain significance. Review status: criteria provided, multiple submitters, no conflicts (2 of 4 stars). 2 submissions from 2 submitters: Uncertain significance (2). Last evaluated 2023-03-14.

Conditions:
Mucopolysaccharidosis type 7 (MPS7). Also called: GUSB DEFICIENCY; SLY SYNDROME; MPS VII; BETA-GLUCURONIDASE DEFICIENCY. Identifiers: Orphanet 584, MedGen C0085132, MONDO:0009662, OMIM 253220.

Allele frequency attached by ClinVar (database versions not stated): ExAC 0.00001; gnomAD exomes 0.00001.
gnomAD v4.1: 6 of 1,613,376 alleles (0.00037%); highest among the groups gnomAD compares: East Asian, 0.0022%; no homozygotes.

Submissions (2):

Women's Health and Genetics/Laboratory Corporation of America, LabCorp
Classification: Uncertain significance. Last evaluated: 2023-03-14. Review status: criteria provided, single submitter. Criteria: LabCorp Variant Classification Summary - May 2015. Collection method: clinical testing. Allele origin: germline.
Comment: Variant summary: GUSB c.1091C>T (p.Pro364Leu) results in a non-conservative amino acid change located in the catalytic domain (IPR006103) of the encoded protein sequence. Four of five in-silico tools predict a damaging effect of the variant on protein function. The variant allele was found at a frequency of 8e-06 in 251408 control chromosomes (gnomAD). The available data on variant occurrences in the general population are insufficient to allow any conclusion about variant significance. c.1091C>T has been reported in the literature as an uninformative genotype (no second variant reported/specified) in an individual affected with Mucopolysaccharidosis Type VII (Sly Syndrome) and was found in trans with a likely pathogenic variant in a setting of prenatal whole exome sequencing for a fetus with hydrops from a couple with two prior affected pregnancies (e.g. Tomatsu_2009, Zhou_2021). These data do not allow any strong conclusion about variant significance. To our knowledge, no experimental evidence demonstrating an impact on protein function has been reported. One clinical diagnostic laboratory has submitted a clinical-significance assessment for this variant to ClinVar after 2014 and classified the variant as uncertain significance. Based on the evidence outlined above, the variant was classified as uncertain significance.

Labcorp Genetics (formerly Invitae), Labcorp
Classification: Uncertain significance for Mucopolysaccharidosis type 7. Last evaluated: 2021-08-27. Review status: criteria provided, single submitter. Criteria: Invitae Variant Classification Sherloc (09022015). Collection method: clinical testing. Allele origin: germline.
Comment: This sequence change replaces proline with leucine at codon 364 of the GUSB protein (p.Pro364Leu). The proline residue is moderately conserved and there is a moderate physicochemical difference between proline and leucine. This variant is present in population databases (rs771629102, ExAC 0.006%). This missense change has been observed in individual(s) with mucopolysaccharidosis VII (PMID: 19224584). Algorithms developed to predict the effect of missense changes on protein structure and function are either unavailable or do not agree on the potential impact of this missense change (SIFT: "Deleterious"; PolyPhen-2: "Benign"; Align-GVGD: "Class C15"). In summary, the available evidence is currently insufficient to determine the role of this variant in disease. Therefore, it has been classified as a Variant of Uncertain Significance.

Literature cited by the submitters: PubMed 19224584 (cited by Women's Health and Genetics/Laboratory Corporation of America, LabCorp and Labcorp Genetics (formerly Invitae), Labcorp); PubMed 33897756 (cited by Women's Health and Genetics/Laboratory Corporation of America, LabCorp).

NM_000181.4(GUSB):c.1091C>T (p.Pro364Leu)

Gene: GUSB (glucuronidase beta; minus strand). Cytogenetic location: 7q11.21.
Variant type: single nucleotide variant.
Coding change: c.1091C>T on transcript NM_000181.4 (MANE Select); coding-DNA position 1091, C replaced by T.
Protein change: p.Pro364Leu; replaces proline 364 with leucine.
Molecular consequence: missense variant. On other transcripts: non-coding transcript variant (1).
Genome position (GRCh38, 1-based): chr7:65,974,679, G>A on the plus strand (C>T on the coding strand, the complement: GUSB is on the minus strand). VCF-style: chr7-65974679-G-A. GRCh37 (hg19) VCF-style: chr7-65439666-G-A.
Other names: c.653C>T, p.Pro218Leu (NM_001284290.2); c.521C>T, p.Pro174Leu (NM_001293104.2); c.434C>T, p.Pro145Leu (NM_001293105.2); c.1091C>T (NM_000181.3); short protein forms P218L, P364L, P145L, P174L.
Identifiers: ClinVar variation 1037996 (VCV001037996.6), dbSNP rs771629102, ClinGen allele CA4276382.